The following is an entry in ClinVar:

ClinVar aggregate classification (germline): Uncertain significance (1 of 4 stars; one submission).

Submission:

Labcorp Genetics (formerly Invitae), Labcorp
Classification: Uncertain significance. Last evaluated: 2022-07-15. Review status: criteria provided, single submitter. Criteria: Invitae Variant Classification Sherloc (09022015). Collection method: clinical testing. Allele origin: germline.
Comment: This sequence change replaces proline, which is neutral and non-polar, with arginine, which is basic and polar, at codon 186 of the SCO2 protein (p.Pro186Arg). This variant is not present in population databases (gnomAD no frequency). This variant has not been reported in the literature in individuals affected with SCO2-related conditions. Algorithms developed to predict the effect of missense changes on protein structure and function are either unavailable or do not agree on the potential impact of this missense change (SIFT: "Deleterious"; PolyPhen-2: "Probably Damaging"; Align-GVGD: "Class C0"). In summary, the available evidence is currently insufficient to determine the role of this variant in disease. Therefore, it has been classified as a Variant of Uncertain Significance.

NM_005138.3(SCO2):c.557C>G (p.Pro186Arg)

Genes: NCAPH2 (non-SMC condensin II complex subunit H2; plus strand), SCO2 (synthesis of cytochrome C oxidase 2; minus strand). Cytogenetic location: 22q13.33.
Variant type: single nucleotide variant.
Coding change: c.557C>G on transcript NM_005138.3 (MANE Select); coding-DNA position 557, C replaced by G.
Protein change: p.Pro186Arg; replaces proline 186 with arginine.
Molecular consequence: missense variant. On other transcripts: 3 prime UTR variant (2).
Genome position (GRCh38, 1-based): chr22:50,523,855, G>C on the plus strand (C>G on the coding strand, the complement: SCO2 is on the minus strand). VCF-style: chr22-50523855-G-C. GRCh37 (hg19) VCF-style: chr22-50962284-G-C.
Other names: c.*480G>C (NM_001185011.2, NM_152299.4); c.557C>G, p.Pro186Arg (NM_001169109.2, NM_001169110.1, NM_001169111.2); short protein forms P186R.
Identifiers: ClinVar variation 2017425 (VCV002017425.4), dbSNP rs2522468172, ClinGen allele CA412192182.
Genomic context (GRCh38, chr22:50,523,855, plus strand): 5'-CGGTAACTGTGACTAGCCTGGGCAACCTGTTTGGTGGAGCCGGTCAGACCCAACAGTCTT[G>C]GGTGGAAGTCCTGGACGTAGCGGGCCATGGCTTCAACGTCGTCCCGCTCGGGGTCCACAG-3'
Protein context (NP_005129.2, residues 176-196): AMARYVQDFH[Pro186Arg]RLLGLTGSTK